The following is an entry in ClinVar:

NM_004104.5(FASN):c.5075G>A (p.Gly1692Asp)

Gene: FASN (fatty acid synthase; minus strand). Cytogenetic location: 17q25.3.
Variant type: single nucleotide variant.
Coding change: c.5075G>A on transcript NM_004104.5 (MANE Select); coding-DNA position 5075, G replaced by A.
Protein change: p.Gly1692Asp; replaces glycine 1692 with aspartic acid.
Molecular consequence: missense variant.
Genome position (GRCh38, 1-based): chr17:82,083,998, C>T on the plus strand (G>A on the coding strand, the complement: FASN is on the minus strand). VCF-style: chr17-82083998-C-T. GRCh37 (hg19) VCF-style: chr17-80041874-C-T.
Other names: short protein forms G1692D.
Identifiers: ClinVar variation 575790 (VCV000575790.1), dbSNP rs985360673, ClinGen allele CA401540987.

ClinVar aggregate classification (germline): Uncertain significance (1 of 4 stars; one submission).

Conditions:
Epileptic encephalopathy. Identifiers: MedGen C0543888, HP:0200134.

Submission:

Labcorp Genetics (formerly Invitae), Labcorp
Classification: Uncertain significance for Epileptic encephalopathy. Last evaluated: 2018-03-01. Review status: criteria provided, single submitter. Criteria: Invitae Variant Classification Sherloc (09022015). Collection method: clinical testing. Allele origin: germline.
Comment: This sequence change replaces glycine with aspartic acid at codon 1692 of the FASN protein (p.Gly1692Asp). The glycine residue is moderately conserved and there is a moderate physicochemical difference between glycine and aspartic acid. While this variant is not present in population databases, the frequency information is unreliable, as metrics indicate poor data quality at this position in the ExAC database. This variant has not been reported in the literature in individuals with FASN-related disease. Algorithms developed to predict the effect of missense changes on protein structure and function do not agree on the potential impact of this missense change (SIFT: "Tolerated"; PolyPhen-2: "Possibly Damaging"; Align-GVGD: "Class C0"). In summary, the available evidence is currently insufficient to determine the role of this variant in disease. Therefore, it has been classified as a Variant of Uncertain Significance.